The following is an entry in ClinVar:

ClinVar aggregate classification (germline): Uncertain significance (1 of 4 stars; one submission).

Allele frequency attached by ClinVar (database versions not stated): gnomAD exomes 0.00001 and 0.00002; TOPMed 0.00002; gnomAD 0.00003.
gnomAD v4.1: 29 of 1,533,228 alleles (0.0019%); highest among the groups gnomAD compares: Non-Finnish European, 0.0024%; no homozygotes.

Submission:

Labcorp Genetics (formerly Invitae), Labcorp
Classification: Uncertain significance. Last evaluated: 2025-09-10. Review status: criteria provided, single submitter. Criteria: Invitae Variant Classification Sherloc (09022015). Collection method: clinical testing. Allele origin: germline.
Comment: This sequence change replaces serine, which is neutral and polar, with leucine, which is neutral and non-polar, at codon 254 of the DTHD1 protein (p.Ser254Leu). This variant is present in population databases (no rsID available, gnomAD 0.004%). This variant has not been reported in the literature in individuals affected with DTHD1-related conditions. ClinVar contains an entry for this variant (Variation ID: 1373427). An algorithm developed to predict the effect of missense changes on protein structure and function outputs the following: PolyPhen-2: "Benign". The leucine amino acid residue is found in multiple mammalian species, which suggests that this missense change does not adversely affect protein function. In summary, the available evidence is currently insufficient to determine the role of this variant in disease. Therefore, it has been classified as a Variant of Uncertain Significance.

NM_001170700.3(DTHD1):c.1631C>T (p.Ser544Leu)

Gene: DTHD1 (death domain containing 1; plus strand). Cytogenetic location: 4p14.
Variant type: single nucleotide variant.
Coding change: c.1631C>T on transcript NM_001170700.3 (MANE Select); coding-DNA position 1631, C replaced by T.
Protein change: p.Ser544Leu; replaces serine 544 with leucine.
Molecular consequence: missense variant. On other transcripts: non-coding transcript variant (2).
Genome position (GRCh38, 1-based): chr4:36,295,027, C>T. VCF-style: chr4-36295027-C-T. GRCh37 (hg19) VCF-style: chr4-36296649-C-T.
Other names: c.761C>T, p.Ser254Leu (NM_001136536.5); c.698C>T, p.Ser233Leu (NM_001378435.1); short protein forms S254L, S544L, S233L.
Identifiers: ClinVar variation 1373427 (VCV001373427.8), dbSNP rs1225555418, ClinGen allele CA356680230.